The following is an entry in ClinVar:

ClinVar aggregate classification (germline): Uncertain significance. Review status: criteria provided, multiple submitters, no conflicts (2 of 4 stars). 2 submissions from 2 submitters: Uncertain significance (2). Last evaluated 2025-01-14.

Conditions:
Autosomal dominant spastic paraplegia type 9. Identifiers: MedGen C1832669, MONDO:0015091.
de Barsy syndrome. Also called: Cutis laxa-corneal clouding-oligophrenia syndrome. Identifiers: Orphanet 2962, MedGen C0268354, MONDO:0017569.
Cutis laxa, autosomal dominant 3 (ADCL3). Identifiers: Orphanet 90348, MedGen C4225268, MONDO:0014706, OMIM 616603.
Hereditary spastic paraplegia 9A. Also called: CATARACTS WITH MOTOR NEURONOPATHY, SHORT STATURE, AND SKELETAL ABNORMALITIES; SPASTIC PARAPARESIS WITH AMYOTROPHY, CATARACTS, AND GASTROESOPHAGEAL REFLUX; SPASTIC PARAPLEGIA 9A, AUTOSOMAL DOMINANT. Identifiers: Orphanet 100990, Orphanet 447753, MedGen C5568978, MONDO:0011006, OMIM 601162.
ALDH18A1-related de Barsy syndrome. Also called: Cutis laxa, autosomal recessive IIIA; DE BARSY SYNDROME A. Identifiers: Orphanet 2962, Orphanet 35664, MedGen C5234852, MONDO:0009053, OMIM 219150.
Autosomal recessive complex spastic paraplegia type 9B. Also called: Spastic paraplegia 9b, autosomal recessive. Identifiers: Orphanet 447760, MedGen C5568980, MONDO:0014702, OMIM 616586.

Allele frequency attached by ClinVar (database versions not stated): 1000 Genomes Project 0.00020; 1000 Genomes Project 30x 0.00062.
gnomAD v4.1: 9 of 1,586,442 alleles (0.00057%); highest among the groups gnomAD compares: Admixed American, 0.016%; no homozygotes.

Submissions (2):

Labcorp Genetics (formerly Invitae), Labcorp
Classification: Uncertain significance for Autosomal dominant spastic paraplegia type 9; de Barsy syndrome; Cutis laxa, autosomal dominant 3. Last evaluated: 2025-01-14. Review status: criteria provided, single submitter. Criteria: Invitae Variant Classification Sherloc (09022015). Collection method: clinical testing. Allele origin: germline.
Comment: This sequence change replaces histidine, which is basic and polar, with glutamine, which is neutral and polar, at codon 517 of the ALDH18A1 protein (p.His517Gln). This variant is present in population databases (rs185313265, gnomAD 0.02%). This variant has not been reported in the literature in individuals affected with ALDH18A1-related conditions. ClinVar contains an entry for this variant (Variation ID: 970639). Invitae Evidence Modeling of protein sequence and biophysical properties (such as structural, functional, and spatial information, amino acid conservation, physicochemical variation, residue mobility, and thermodynamic stability) has been performed for this missense variant. However, the output from this modeling did not meet the statistical confidence thresholds required to predict the impact of this variant on ALDH18A1 protein function. In summary, the available evidence is currently insufficient to determine the role of this variant in disease. Therefore, it has been classified as a Variant of Uncertain Significance.

Fulgent Genetics
Classification: Uncertain significance for ALDH18A1-related de Barsy syndrome; Hereditary spastic paraplegia 9A; Autosomal recessive complex spastic paraplegia type 9B; Cutis laxa, autosomal dominant 3. Last evaluated: 2024-06-05. Review status: criteria provided, single submitter. Criteria: ACMG Guidelines, 2015. Collection method: clinical testing. Allele origin: germline.

NM_002860.4(ALDH18A1):c.1551C>A (p.His517Gln)

Gene: ALDH18A1 (aldehyde dehydrogenase 18 family member A1; minus strand). Cytogenetic location: 10q24.1.
Variant type: single nucleotide variant.
Coding change: c.1551C>A on transcript NM_002860.4 (MANE Select); coding-DNA position 1551, C replaced by A.
Protein change: p.His517Gln; replaces histidine 517 with glutamine.
Molecular consequence: missense variant.
Genome position (GRCh38, 1-based): chr10:95,616,531, G>T on the plus strand (C>A on the coding strand, the complement: ALDH18A1 is on the minus strand). VCF-style: chr10-95616531-G-T. GRCh37 (hg19) VCF-style: chr10-97376288-G-T.
Other names: c.1545C>A, p.His515Gln (NM_001017423.2, NM_001323415.2); c.1218C>A, p.His406Gln (NM_001323412.2, NM_001323416.2); c.1551C>A, p.His517Gln (NM_001323413.2, NM_001323414.2); c.1446C>A, p.His482Gln (NM_001323417.2); c.1212C>A, p.His404Gln (NM_001323418.2); c.915C>A, p.His305Gln (NM_001323419.2); short protein forms H482Q, H517Q, H515Q, H305Q, H404Q, H406Q.
Identifiers: ClinVar variation 970639 (VCV000970639.11), dbSNP rs185313265, ClinGen allele CA211789718.